The following is an entry in ClinVar:

ClinVar aggregate classification (germline): Uncertain significance. Review status: criteria provided, multiple submitters, no conflicts (2 of 4 stars). 6 submissions from 5 submitters: Uncertain significance (6). Last evaluated 2025-11-11.

Conditions:
Usher syndrome type 2A. Also called: RETINAL DISEASE IN USHER SYNDROME TYPE IIA, MODIFIER OF; USHER SYNDROME, TYPE IIA. Identifiers: Orphanet 231178, Orphanet 886, MedGen C1848634, MONDO:0010169, OMIM 276901.
Retinitis pigmentosa 39 (RP39). Identifiers: Orphanet 791, MedGen C3151138, MONDO:0013436, OMIM 613809.
Inborn genetic diseases. Identifiers: MedGen C0950123, MeSH D030342.

Allele frequency attached by ClinVar (database versions not stated): ExAC 0.00002; gnomAD 0.00003; ESP Exome Variant Server 0.00008.
gnomAD v4.1: 103 of 1,613,942 alleles (0.0064%); highest among the groups gnomAD compares: Non-Finnish European, 0.0082%; no homozygotes.

Submissions (6):

Ambry Genetics
Classification: Uncertain significance for Inborn genetic diseases. Last evaluated: 2025-11-11. Review status: criteria provided, single submitter. Criteria: Ambry Variant Classification Scheme 2023. Collection method: clinical testing. Allele origin: germline.

Blueprint Genetics
Classification: Uncertain significance. Last evaluated: 2024-04-18. Review status: criteria provided, single submitter. Criteria: ACMG Guidelines, 2015. Collection method: clinical testing. Allele origin: germline.

Genome-Nilou Lab
Classification: Uncertain significance for Retinitis pigmentosa 39. Last evaluated: 2023-11-04. Review status: criteria provided, single submitter. Criteria: ACMG Guidelines, 2015. Collection method: clinical testing. Allele origin: germline. Affected: no.

Genome-Nilou Lab
Classification: Uncertain significance for Usher syndrome type 2A. Last evaluated: 2023-11-04. Review status: criteria provided, single submitter. Criteria: ACMG Guidelines, 2015. Collection method: clinical testing. Allele origin: germline. Affected: no.

Labcorp Genetics (formerly Invitae), Labcorp
Classification: Uncertain significance. Last evaluated: 2022-10-03. Review status: criteria provided, single submitter. Criteria: Invitae Variant Classification Sherloc (09022015). Collection method: clinical testing. Allele origin: germline.
Comment: This sequence change replaces isoleucine, which is neutral and non-polar, with valine, which is neutral and non-polar, at codon 2759 of the USH2A protein (p.Ile2759Val). This variant is present in population databases (rs373609391, gnomAD 0.003%). This variant has not been reported in the literature in individuals affected with USH2A-related conditions. Advanced modeling of protein sequence and biophysical properties (such as structural, functional, and spatial information, amino acid conservation, physicochemical variation, residue mobility, and thermodynamic stability) performed at Invitae indicates that this missense variant is not expected to disrupt USH2A protein function. In summary, the available evidence is currently insufficient to determine the role of this variant in disease. Therefore, it has been classified as a Variant of Uncertain Significance.

GeneDx
Classification: Uncertain significance. Last evaluated: 2022-05-18. Review status: criteria provided, single submitter. Criteria: GeneDx Variant Classification Process June 2021. Collection method: clinical testing. Allele origin: germline. Affected: yes.
Comment: Not observed at significant frequency in large population cohorts (gnomAD); In silico analysis supports that this missense variant does not alter protein structure/function; Has not been previously published as pathogenic or benign to our knowledge

NM_206933.4(USH2A):c.8275A>G (p.Ile2759Val)

Gene: USH2A (usherin; minus strand). Cytogenetic location: 1q41.
Variant type: single nucleotide variant.
Coding change: c.8275A>G on transcript NM_206933.4 (MANE Select); coding-DNA position 8275, A replaced by G.
Protein change: p.Ile2759Val; replaces isoleucine 2759 with valine.
Molecular consequence: missense variant.
Genome position (GRCh38, 1-based): chr1:215,879,047, T>C on the plus strand (A>G on the coding strand, the complement: USH2A is on the minus strand). VCF-style: chr1-215879047-T-C. GRCh37 (hg19) VCF-style: chr1-216052389-T-C.
Other names: short protein forms I2759V.
Identifiers: ClinVar variation 1800767 (VCV001800767.7), dbSNP rs373609391, ClinGen allele CA1394632.